The following is an entry in ClinVar:

NM_001009944.3(PKD1):c.11242C>T (p.Arg3748Trp)

Genes: PKD1 (polycystin 1, transient receptor potential channel interacting; minus strand), PKD1-AS1 (PKD1 antisense RNA 1; plus strand). Cytogenetic location: 16p13.3.
Variant type: single nucleotide variant.
Coding change: c.11242C>T on transcript NM_001009944.3 (MANE Select); coding-DNA position 11242, C replaced by T.
Protein change: p.Arg3748Trp; replaces arginine 3748 with tryptophan.
Molecular consequence: missense variant.
Genome position (GRCh38, 1-based): chr16:2,092,507, G>A on the plus strand (C>T on the coding strand, the complement: PKD1 is on the minus strand). VCF-style: chr16-2092507-G-A. GRCh37 (hg19) VCF-style: chr16-2142508-G-A.
Other names: p.Arg3748Trp; c.11239C>T, p.Arg3747Trp (NM_000296.4); short protein forms R3747W, R3748W.
Identifiers: ClinVar variation 997225 (VCV000997225.2), dbSNP rs2091642915, ClinGen allele CA394336189.

ClinVar aggregate classification (germline): Uncertain significance. Review status: criteria provided, multiple submitters, no conflicts (2 of 4 stars). 3 submissions from 3 submitters: Uncertain significance (2). 1 of the submissions does not count toward it. Last evaluated 2025-07-19.

Conditions:
Polycystic kidney disease. Also called: Polycystic kidney dysplasia; Kidney, Polycystic. Identifiers: MedGen C0022680, MeSH D007690, MONDO:0020642, HP:0000113.

Allele frequency attached by ClinVar (database versions not stated): gnomAD exomes below 0.00001.
gnomAD v4.1: 1 of 1,611,608 alleles (0.000062%); highest among the groups gnomAD compares: Non-Finnish European, 0.000085%; no homozygotes.

Submissions (3):

Mayo Clinic Laboratories, Mayo Clinic
Classification: Uncertain significance. Last evaluated: 2025-07-19. Review status: criteria provided, single submitter. Criteria: ACMG Guidelines, 2015. Collection method: clinical testing. Allele origin: germline. Observed: 1 variant allele.
Comment: BP5, PP3, PM2_supporting

Women's Health and Genetics/Laboratory Corporation of America, LabCorp
Classification: Uncertain significance. Last evaluated: 2025-05-02. Review status: criteria provided, single submitter. Criteria: LabCorp Variant Classification Summary - May 2015. Collection method: clinical testing. Allele origin: germline.
Comment: Variant summary: PKD1 c.11242C>T (p.Arg3748Trp) results in a non-conservative amino acid change in the encoded protein sequence. Five of five in-silico tools predict a damaging effect of the variant on protein function. The variant was absent in 247632 control chromosomes. The available data on variant occurrences in the general population are insufficient to allow any conclusion about variant significance. c.11242C>T has been observed in at least one fetus affected with hyperechogenic kidneys caused by Autosomal DominantPolycystic Kidney Disease (e.g. Huang_2023). These data do not allow any conclusion about variant significance. To our knowledge, no experimental evidence demonstrating an impact on protein function has been reported. The following publication has been ascertained in the context of this evaluation (PMID: 37095353). ClinVar contains an entry for this variant (Variation ID: 997225). Based on the evidence outlined above, the variant was classified as uncertain significance.

Department of Pathology and Laboratory Medicine, Sinai Health System
Classification: Uncertain significance for Polycystic Kidney disease. Review status: no assertion criteria provided. Collection method: clinical testing. Allele origin: unknown. Affected: yes. Study: The Canadian Open Genetics Repository (COGR). Not counted in ClinVar's aggregate classification.
Comment: The PKD1 p.Arg3748Trp variant was not identified in the literature nor was it identified in the dbSNP, ClinVar, Genesight-COGR, LOVD 3.0, ADPKD Mutation Database, PKD1-LOVD, databases. The variant was not identified in the 1000 Genomes Project, the NHLBI GO Exome Sequencing Project or the Genome Aggregation Consortium (Feb 27 2017) control databases. The p.Arg3748Trp residue is conserved across mammals and other organisms, and computational analyses (PolyPhen-2, SIFT, AlignGVGD, BLOSUM, MutationTaster) suggest that the variant may impact the protein; however, this information is not predictive enough to assume pathogenicity. The variant occurs outside of the splicing consensus sequence and 1 of 5 in silico or computational prediction software programs (SpliceSiteFinder, MaxEntScan, NNSPLICE, GeneSplicer, HumanSpliceFinder) predict a greater than 10% difference in splicing; this is not very predictive of pathogenicity. In summary, based on the above information the clinical significance of this variant cannot be determined with certainty at this time. This variant is classified as a variant of uncertain significance.

Literature cited by the submitters: PubMed 37095353 (cited by Mayo Clinic Laboratories, Mayo Clinic and Women's Health and Genetics/Laboratory Corporation of America, LabCorp).